The following is an entry in ClinVar:

ClinVar aggregate classification (germline): Conflicting classifications of pathogenicity. Review status: criteria provided, conflicting classifications (1 of 4 stars). 11 submissions from 11 submitters: Uncertain significance (1); Benign (6); Likely benign (2). 2 of the submissions do not count toward it. Last evaluated 2026-01-26.

Conditions:
PLA2G6-related disorder. Also called: PLA2G6-related condition.
Infantile neuroaxonal dystrophy (NBIA2A). Also called: NEURODEGENERATION WITH BRAIN IRON ACCUMULATION 2A; Infantile neuroaxonal dystrophy 1; SEITELBERGER DISEASE. Identifiers: Orphanet 35069, MedGen C0270724, MONDO:0024457, OMIM 256600.
PLA2G6-associated neurodegeneration (PLAN). Also called: phospholipase A2-associated neurodegeneration. Identifiers: Orphanet 329303, MedGen CN204472, MONDO:0017998.
Autosomal recessive Parkinson disease 14. Also called: PARKINSON DISEASE 14; DYSTONIA-PARKINSONISM, ADULT-ONSET. Identifiers: Orphanet 199351, MedGen C2751842, MONDO:0013060, OMIM 612953.

Allele frequency attached by ClinVar (database versions not stated): ESP Exome Variant Server 0.00008; gnomAD 0.00021 and 0.00046; TOPMed 0.00056; gnomAD exomes 0.00086; ExAC 0.00194; 1000 Genomes Project 30x 0.00265; 1000 Genomes Project 0.00300.
gnomAD v4.1: 812 of 1,581,658 alleles (0.051%); highest among the groups gnomAD compares: East Asian, 1.5%; 3 homozygotes.

Submissions (11):

Labcorp Genetics (formerly Invitae), Labcorp
Classification: Benign for Infantile neuroaxonal dystrophy. Last evaluated: 2026-01-26. Review status: criteria provided, single submitter. Criteria: Invitae Variant Classification Sherloc (09022015). Collection method: clinical testing. Allele origin: germline.

PreventionGenetics, part of Exact Sciences
Classification: Benign for PLA2G6-related condition. Last evaluated: 2025-05-21. Review status: criteria provided, single submitter. Criteria: ACMG Guidelines, 2015. Collection method: clinical testing. Allele origin: germline.
Comment: This variant is classified as benign based on ACMG/AMP sequence variant interpretation guidelines (Richards et al. 2015 PMID: 25741868, with internal and published modifications).

CeGaT Center for Human Genetics Tuebingen
Classification: Likely benign. Last evaluated: 2024-11-01. Review status: criteria provided, single submitter. Criteria: CeGaT Center For Human Genetics Tuebingen Variant Classification Criteria Version 2. Collection method: clinical testing. Allele origin: germline. Affected: yes. Observed: 3 variant alleles.
Comment: PLA2G6: BS1

Blueprint Genetics
Classification: Likely benign. Last evaluated: 2024-09-12. Review status: criteria provided, single submitter. Criteria: ACMG Guidelines, 2015. Collection method: clinical testing. Allele origin: germline.

Department of Neurology, Xijing Hospital, Fourth Military Medical University
Classification: Uncertain significance for Autosomal recessive Parkinson disease 14. Last evaluated: 2022-03-01. Review status: criteria provided, single submitter. Criteria: ACMG Guidelines, 2015. Collection method: clinical testing. Allele origin: germline.

GeneDx
Classification: Benign. Last evaluated: 2021-03-08. Review status: criteria provided, single submitter. Criteria: GeneDx Variant Classification Process June 2021. Collection method: clinical testing. Allele origin: germline. Affected: yes.
Comment: This variant is associated with the following publications: (PMID: 23182313, 30232368, 30065071, 27942883, 21368765, 21812034, 22213678)

Genetic Services Laboratory, University of Chicago
Classification: Benign. Last evaluated: 2020-03-10. Review status: criteria provided, single submitter. Criteria: ACMG Guidelines, 2015. Collection method: clinical testing. Allele origin: germline. Affected: no.

Athena Diagnostics
Classification: Benign. Last evaluated: 2018-12-03. Review status: criteria provided, single submitter. Criteria: Athena Diagnostics Criteria. Collection method: clinical testing. Allele origin: germline.

Illumina Laboratory Services, Illumina
Classification: Benign for PLA2G6-associated neurodegeneration. Last evaluated: 2017-04-28. Review status: criteria provided, single submitter. Criteria: ICSL Variant Classification Criteria 13 December 2019. Collection method: clinical testing. Allele origin: germline.
Comment: This variant was observed as part of a predisposition screen in an ostensibly healthy population. A literature search was performed for the gene, cDNA change, and amino acid change (where applicable). Publications were found based on this search. The evidence from the literature, in combination with allele frequency data from public databases where available, was sufficient to rule this variant out of causing disease. Therefore, this variant is classified as benign.

Clinical Genetics DNA and cytogenetics Diagnostics Lab, Erasmus MC, Erasmus Medical Center
Classification: Likely benign. Review status: no assertion criteria provided. Collection method: clinical testing. Allele origin: germline. Affected: yes. Study: VKGL Data-share Consensus. Not counted in ClinVar's aggregate classification.

Clinical Genetics, Academic Medical Center
Classification: Likely benign. Review status: no assertion criteria provided. Collection method: clinical testing. Allele origin: germline. Affected: yes. Study: VKGL Data-share Consensus. Not counted in ClinVar's aggregate classification.

Literature cited by the submitters: PubMed 21368765 (cited by Athena Diagnostics and Illumina Laboratory Services, Illumina); PubMed 23182313 (cited by Athena Diagnostics); PubMed 20186954 (cited by Athena Diagnostics); PubMed 30065071 (cited by Athena Diagnostics); PubMed 21812034 (cited by Athena Diagnostics and Illumina Laboratory Services, Illumina); PubMed 30232368 (cited by Athena Diagnostics); PubMed 27942883 (cited by Illumina Laboratory Services, Illumina); PubMed 22213678 (cited by Illumina Laboratory Services, Illumina).

NM_003560.4(PLA2G6):c.2417C>G (p.Pro806Arg)

Gene: PLA2G6 (phospholipase A2 group VI; minus strand). Cytogenetic location: 22q13.1.
Variant type: single nucleotide variant.
Coding change: c.2417C>G on transcript NM_003560.4 (MANE Select); coding-DNA position 2417, C replaced by G.
Protein change: p.Pro806Arg; replaces proline 806 with arginine.
Molecular consequence: missense variant.
Genome position (GRCh38, 1-based): chr22:38,112,165, G>C on the plus strand (C>G on the coding strand, the complement: PLA2G6 is on the minus strand). VCF-style: chr22-38112165-G-C. GRCh37 (hg19) VCF-style: chr22-38508172-G-C.
Other names: c.2255C>G, p.Pro752Arg (NM_001004426.3, NM_001199562.3, NM_001349865.2 and 1 more transcripts); c.2417C>G, p.Pro806Arg (NM_001349864.2); c.1883C>G, p.Pro628Arg (NM_001349867.2); c.1739C>G, p.Pro580Arg (NM_001349868.2); c.1721C>G, p.Pro574Arg (NM_001349869.2); short protein forms P806R, P628R, P752R, P574R, P580R.
Identifiers: ClinVar variation 211910 (VCV000211910.76), dbSNP rs140758033, ClinGen allele CA206378.